The following is an entry in ClinVar:

NM_138691.3(TMC1):c.2004T>G (p.Ser668Arg)

Gene: TMC1 (transmembrane channel like 1; plus strand). Cytogenetic location: 9q21.13.
Variant type: single nucleotide variant.
Coding change: c.2004T>G on transcript NM_138691.3 (MANE Select); coding-DNA position 2004, T replaced by G.
Protein change: p.Ser668Arg; replaces serine 668 with arginine.
Molecular consequence: missense variant.
Genome position (GRCh38, 1-based): chr9:72,826,869, T>G. VCF-style: chr9-72826869-T-G. GRCh37 (hg19) VCF-style: chr9-75441785-T-G.
Other names: short protein forms S668R.
Identifiers: ClinVar variation 1339127 (VCV001339127.3), dbSNP rs1181901214, ClinGen allele CA373672657.
Genomic context (GRCh38, chr9:72,826,869, plus strand): 5'-TAACCATGGTTTTTCCATATGTTCTTAATAAACTTATCTCCCCCTTTTTAATTCCCCCAG[T>G]GGCAAAAATAGAATGTTTGAAGTCATTGGAGAGACCCTGGAGCACGATTTCCCAAGCTGG-3'
Protein context (NP_619636.2, residues 658-678): LPPSFDCGPF[Ser668Arg]GKNRMFEVIG

ClinVar aggregate classification (germline): Conflicting classifications of pathogenicity. Review status: criteria provided, conflicting classifications (1 of 4 stars). 2 submissions from 2 submitters: Likely pathogenic (1); Uncertain significance (1). Last evaluated 2024-12-20.

Conditions:
Sensorineural hearing loss disorder. Also called: Sensorineural hearing impairment; Sensorineural Deafness; Sensorineural hearing loss. Identifiers: MedGen C0018784, MeSH D006319, MONDO:0020678, HP:0000407.
Autosomal recessive nonsyndromic hearing loss 7. Also called: DEAFNESS, AUTOSOMAL RECESSIVE 11. Identifiers: Orphanet 90636, MedGen C1832978, MONDO:0010967, OMIM 600974.

Allele frequency attached by ClinVar (database versions not stated): gnomAD exomes below 0.00001.
gnomAD v4.1: 5 of 1,613,928 alleles (0.00031%); highest among the groups gnomAD compares: South Asian, 0.0044%; no homozygotes.

Submissions (2):

Laboratory of Dr. Barbara Vona, University Medical Center Göttingen
Classification: Likely pathogenic for Sensorineural hearing loss disorder. Last evaluated: 2024-12-20. Review status: criteria provided, single submitter. Criteria: ClinGen HL ACMG Specifications v1. Collection method: clinical testing. Allele origin: germline. Affected: yes.

Neuberg Centre For Genomic Medicine, NCGM
Classification: Uncertain significance for Autosomal recessive nonsyndromic hearing loss 7. Review status: criteria provided, single submitter. Criteria: ACMG Guidelines, 2015. Collection method: clinical testing. Allele origin: germline. Affected: yes.
Comment: The missense variant p.S668R in TMC1 (NM_138691.3) has not been reported previously as a pathogenic variant nor as a benign variant, to our knowledge. The p.S668R missense variant is predicted to be damaging by both SIFT and PolyPhen2. The serine residue at codon 668 of TMC1 is conserved in all mammalian species. The nucleotide c.2004 in TMC1 is predicted conserved by GERP++ and PhyloP across 100 vertebrates. For these reasons, this variant has been classified as Uncertain Significance.

Literature cited by the submitters: PubMed 40377830 (cited by Laboratory of Dr. Barbara Vona, University Medical Center Göttingen).